The following is an entry in ClinVar:

ClinVar aggregate classification (germline): Uncertain significance (1 of 4 stars; one submission).

Conditions:
Hyperprolinemia type 2 (HYRPRO2). Also called: Deficiency of pyrroline-5-carboxylate reductase; 1-PYRROLINE-5-CARBOXYLATE DEHYDROGENASE DEFICIENCY; Delta-1-pyrroline-5-carboxylate dehydrogenase deficiency. Identifiers: Orphanet 79101, MedGen C2931835, MONDO:0009401, OMIM 239510.

Allele frequency attached by ClinVar (database versions not stated): gnomAD 0.00006; TOPMed 0.00009; 1000 Genomes Project 30x 0.00016; ESP Exome Variant Server 0.00016; 1000 Genomes Project 0.00040.
gnomAD v4.1: 39 of 1,552,172 alleles (0.0025%); highest among the groups gnomAD compares: African/African-American, 0.022%; no homozygotes.

Submission:

Labcorp Genetics (formerly Invitae), Labcorp
Classification: Uncertain significance for Hyperprolinemia type 2. Last evaluated: 2024-11-07. Review status: criteria provided, single submitter. Criteria: Invitae Variant Classification Sherloc (09022015). Collection method: clinical testing. Allele origin: germline.
Comment: This sequence change replaces arginine, which is basic and polar, with tryptophan, which is neutral and slightly polar, at codon 60 of the ALDH4A1 protein (p.Arg60Trp). This variant is present in population databases (rs139447728, gnomAD 0.01%). This variant has not been reported in the literature in individuals affected with ALDH4A1-related conditions. ClinVar contains an entry for this variant (Variation ID: 1393928). An algorithm developed to predict the effect of missense changes on protein structure and function (PolyPhen-2) suggests that this variant is likely to be disruptive. In summary, the available evidence is currently insufficient to determine the role of this variant in disease. Therefore, it has been classified as a Variant of Uncertain Significance.

NM_003748.4(ALDH4A1):c.178C>T (p.Arg60Trp)

Gene: ALDH4A1 (aldehyde dehydrogenase 4 family member A1; minus strand). Cytogenetic location: 1p36.13.
Variant type: single nucleotide variant.
Coding change: c.178C>T on transcript NM_003748.4 (MANE Select); coding-DNA position 178, C replaced by T.
Protein change: p.Arg60Trp; replaces arginine 60 with tryptophan.
Molecular consequence: missense variant. On other transcripts: 5 prime UTR variant (1).
Genome position (GRCh38, 1-based): chr1:18,889,433, G>A on the plus strand (C>T on the coding strand, the complement: ALDH4A1 is on the minus strand). VCF-style: chr1-18889433-G-A. GRCh37 (hg19) VCF-style: chr1-19215927-G-A.
Other names: c.-3C>T (NM_001161504.2); c.178C>T, p.Arg60Trp (NM_001319218.2, NM_170726.3); short protein forms R60W.
Identifiers: ClinVar variation 1393928 (VCV001393928.8), dbSNP rs139447728, ClinGen allele CA647461.